The following is an entry in ClinVar:

NM_006178.4(NSF):c.1615G>A (p.Val539Met)

Genes: LRRC37A2 (leucine rich repeat containing 37 member A2), NSF (N-ethylmaleimide sensitive factor, vesicle fusing ATPase; plus strand). Cytogenetic location: 17q21.31.
Variant type: single nucleotide variant.
Coding change: c.1615G>A on transcript NM_006178.4 (MANE Select); coding-DNA position 1615, G replaced by A.
Protein change: p.Val539Met; replaces valine 539 with methionine.
Molecular consequence: missense variant. On other transcripts: non-coding transcript variant (1).
Genome position (GRCh38, 1-based): chr17:46,711,107, G>A. VCF-style: chr17-46711107-G-A. GRCh37 (hg19) VCF-style: chr17-44788473-G-A.
Other names: short protein forms V539M.
Identifiers: ClinVar variation 3301145 (VCV003301145.2).
Genomic context (GRCh38, chr17:46,711,107, plus strand): 5'-GATGATGGGGAGCTGCTGGTGCAGCAGACTAAGAACAGTGACCGCACACCATTGGTCAGC[G>A]TGCTTCTGGAAGGTGAGAATGAATGAGGAGATGGCATTAAAAGTTAAAGGAAAAAAAGCA-3'
Protein context (NP_006169.2, residues 529-549): KNSDRTPLVS[Val539Met]LLEGPPHSGK

ClinVar aggregate classification (germline): Uncertain significance. Review status: criteria provided, multiple submitters, no conflicts (2 of 4 stars). 2 submissions from 2 submitters: Uncertain significance (2). Last evaluated 2026-08-06.

Conditions:
Developmental and epileptic encephalopathy 96. Identifiers: MedGen C5543446, MONDO:0023659, OMIM 619340.

gnomAD v4.1: 23 of 1,512,278 alleles (0.0015%); highest among the groups gnomAD compares: African/African-American, 0.0029%; no homozygotes.

Submissions (2):

OLLIN Analises Genomicas, OLLIN
Classification: Uncertain significance for Developmental and epileptic encephalopathy 96. Last evaluated: 2026-08-06. Review status: criteria provided, single submitter. Criteria: ACMG Guidelines 2015 PMID 25741868. Collection method: clinical testing. Allele origin: germline.
Comment: This missense variant, located in exon 14 (of 21), has been reported in ClinVar (accession VCV003301145.1) and in gnomAD with an allele frequency of 0.0015%. However, to our knowledge, it has not been reported in the scientific literature. In silico analysis predicts that this variant has a deleterious effect. According to the currently available evidence, this variant has been classified as uncertain significance (PP3_M).

Ambry Genetics
Classification: Uncertain significance. Last evaluated: 2024-06-11. Review status: criteria provided, single submitter. Criteria: Ambry Variant Classification Scheme 2023. Collection method: clinical testing. Allele origin: germline.